The following is an entry in ClinVar:

ClinVar aggregate classification (germline): Uncertain significance (1 of 4 stars; one submission).

Conditions:
Hereditary sensory and autonomic neuropathy type 7. Also called: Neuropathy, hereditary sensory and autonomic, type VII; HSAN VII. Identifiers: Orphanet 391397, MedGen C3809882, MONDO:0014244, OMIM 615548.
Familial episodic pain syndrome with predominantly lower limb involvement. Also called: Episodic pain syndrome, familial, 3. Identifiers: Orphanet 391384, Orphanet 391392, MedGen C3809899, MONDO:0014247, OMIM 615552.

Allele frequency attached by ClinVar (database versions not stated): gnomAD exomes below 0.00001.
gnomAD v4.1: 1 of 1,614,180 alleles (0.000062%); highest among the groups gnomAD compares: Non-Finnish European, 0.000085%; no homozygotes.

Submission:

Labcorp Genetics (formerly Invitae), Labcorp
Classification: Uncertain significance for Familial episodic pain syndrome with predominantly lower limb involvement; Hereditary sensory and autonomic neuropathy type 7. Last evaluated: 2022-10-03. Review status: criteria provided, single submitter. Criteria: Invitae Variant Classification Sherloc (09022015). Collection method: clinical testing. Allele origin: germline.
Comment: This sequence change replaces lysine, which is basic and polar, with arginine, which is basic and polar, at codon 1521 of the SCN11A protein (p.Lys1521Arg). In summary, the available evidence is currently insufficient to determine the role of this variant in disease. Therefore, it has been classified as a Variant of Uncertain Significance. Advanced modeling of protein sequence and biophysical properties (such as structural, functional, and spatial information, amino acid conservation, physicochemical variation, residue mobility, and thermodynamic stability) performed at Invitae indicates that this missense variant is not expected to disrupt SCN11A protein function. This variant has not been reported in the literature in individuals affected with SCN11A-related conditions. This variant is not present in population databases (gnomAD no frequency).

NM_001349253.2(SCN11A):c.4562A>G (p.Lys1521Arg)

Gene: SCN11A (sodium voltage-gated channel alpha subunit 11; minus strand). Cytogenetic location: 3p22.2.
Variant type: single nucleotide variant.
Coding change: c.4562A>G on transcript NM_001349253.2 (MANE Select); coding-DNA position 4562, A replaced by G.
Protein change: p.Lys1521Arg; replaces lysine 1521 with arginine.
Molecular consequence: missense variant.
Genome position (GRCh38, 1-based): chr3:38,847,508, T>C on the plus strand (A>G on the coding strand, the complement: SCN11A is on the minus strand). VCF-style: chr3-38847508-T-C. GRCh37 (hg19) VCF-style: chr3-38888999-T-C.
Other names: c.4562A>G, p.Lys1521Arg (NM_014139.3); short protein forms K1521R.
Identifiers: ClinVar variation 2163605 (VCV002163605.4), dbSNP rs2470967213, ClinGen allele CA352163411.